The following is an entry in ClinVar:

ClinVar aggregate classification (germline): Pathogenic (1 of 4 stars; one submission).

Conditions:
Developmental and epileptic encephalopathy. Identifiers: MedGen C5779964, MONDO:0100620.

Submission:

Labcorp Genetics (formerly Invitae), Labcorp
Classification: Pathogenic for Early-infantile DEE. Last evaluated: 2018-06-19. Review status: criteria provided, single submitter. Criteria: Invitae Variant Classification Sherloc (09022015). Collection method: clinical testing. Allele origin: unknown.
Comment: This variant is a deletion of the genomic region encompassing part of exon 21 (c.4002+1953_4221del) of the SCN1A gene. It is expected to disrupt RNA splicing and likely results in an absent or disrupted protein product. This variant has not been reported in the literature in individuals with SCN1A-related disease. Variants that disrupt the p.Ala1370 amino acid residue in SCN1A have been observed in affected individuals (22028529, Invitae). This suggests that it is a clinically significant residue, and that other variants that disrupt this residue are likely to be causative of disease. For these reasons, this variant has been classified as Pathogenic.

NC_000002.11:g.(?_166859045)_(166864276_?)del

Gene: SCN1A (sodium voltage-gated channel alpha subunit 1; minus strand). Cytogenetic location: 2q24.3.
Variant type: Deletion.
Identifiers: ClinVar variation 3247197 (VCV003247197.1).